The following is an entry in ClinVar:

ClinVar aggregate classification (germline): Uncertain significance (1 of 4 stars; one submission).

Allele frequency attached by ClinVar (database versions not stated): ExAC 0.00001; gnomAD 0.00003; gnomAD exomes 0.00003; TOPMed 0.00003; ESP Exome Variant Server 0.00015.

Submission:

Labcorp Genetics (formerly Invitae), Labcorp
Classification: Uncertain significance. Last evaluated: 2024-01-02. Review status: criteria provided, single submitter. Criteria: Invitae Variant Classification Sherloc (09022015). Collection method: clinical testing. Allele origin: germline.
Comment: This sequence change replaces alanine, which is neutral and non-polar, with threonine, which is neutral and polar, at codon 248 of the TUBB1 protein (p.Ala248Thr). This variant is present in population databases (rs148237574, gnomAD 0.007%). This variant has not been reported in the literature in individuals affected with TUBB1-related conditions. Advanced modeling of protein sequence and biophysical properties (such as structural, functional, and spatial information, amino acid conservation, physicochemical variation, residue mobility, and thermodynamic stability) performed at Invitae indicates that this missense variant is not expected to disrupt TUBB1 protein function with a negative predictive value of 80%. In summary, the available evidence is currently insufficient to determine the role of this variant in disease. Therefore, it has been classified as a Variant of Uncertain Significance.

NM_030773.4(TUBB1):c.742G>A (p.Ala248Thr)

Gene: TUBB1 (tubulin beta 1 class VI; plus strand). Cytogenetic location: 20q13.32.
Variant type: single nucleotide variant.
Coding change: c.742G>A on transcript NM_030773.4 (MANE Select); coding-DNA position 742, G replaced by A.
Protein change: p.Ala248Thr; replaces alanine 248 with threonine.
Molecular consequence: missense variant.
Genome position (GRCh38, 1-based): chr20:59,024,169, G>A. VCF-style: chr20-59024169-G-A. GRCh37 (hg19) VCF-style: chr20-57599224-G-A.
Other names: short protein forms A248T.
Identifiers: ClinVar variation 2780078 (VCV002780078.3), dbSNP rs148237574, ClinGen allele CA9928574.